The following is an entry in ClinVar:

ClinVar aggregate classification (germline): Uncertain significance (1 of 4 stars; one submission).

gnomAD v4.1: 1 of 1,612,208 alleles (0.000062%); highest among the groups gnomAD compares: Non-Finnish European, 0.000085%; no homozygotes.

Submission:

Labcorp Genetics (formerly Invitae), Labcorp
Classification: Uncertain significance. Last evaluated: 2022-07-26. Review status: criteria provided, single submitter. Criteria: Invitae Variant Classification Sherloc (09022015). Collection method: clinical testing. Allele origin: germline.
Comment: This sequence change replaces glutamine, which is neutral and polar, with glutamic acid, which is acidic and polar, at codon 744 of the MTTP protein (p.Gln744Glu). This variant is not present in population databases (gnomAD no frequency). This variant has not been reported in the literature in individuals affected with MTTP-related conditions. Algorithms developed to predict the effect of missense changes on protein structure and function (SIFT, PolyPhen-2, Align-GVGD) all suggest that this variant is likely to be tolerated. In summary, the available evidence is currently insufficient to determine the role of this variant in disease. Therefore, it has been classified as a Variant of Uncertain Significance.

NM_001386140.1(MTTP):c.2230C>G (p.Gln744Glu)

Gene: MTTP (microsomal triglyceride transfer protein; plus strand). Cytogenetic location: 4q23.
Variant type: single nucleotide variant.
Coding change: c.2230C>G on transcript NM_001386140.1 (MANE Select); coding-DNA position 2230, C replaced by G.
Protein change: p.Gln744Glu; replaces glutamine 744 with glutamic acid.
Molecular consequence: missense variant.
Genome position (GRCh38, 1-based): chr4:99,618,986, C>G. VCF-style: chr4-99618986-C-G. GRCh37 (hg19) VCF-style: chr4-100540143-C-G.
Other names: c.2230C>G, p.Gln744Glu (NM_000253.4); c.1981C>G, p.Gln661Glu (NM_001300785.2); short protein forms Q744E, Q661E.
Identifiers: ClinVar variation 2192396 (VCV002192396.1), dbSNP rs1267497426, ClinGen allele CA357518123.
Genomic context (GRCh38, chr4:99,618,986, plus strand): 5'-AATTGTACTTATTATTTTTATAACTATTATTATGCTTTTTTCTTCTAGGAACTTCAGTTA[C>G]AATCTGGACTAAAAGCCAATATAGAGGTCCAGGGTGGTCTAGCTATTGATATTTCAGGTG-3'
Protein context (NP_001373069.1, residues 734-754): LIDHSQELQL[Gln744Glu]SGLKANIEVQ